The following is an entry in ClinVar:

ClinVar aggregate classification (germline): Uncertain significance (1 of 4 stars; one submission).

Conditions:
Adams-Oliver syndrome 5 (AOS5). Identifiers: Orphanet 974, MedGen C4014970, MONDO:0014459, OMIM 616028.

Submission:

Labcorp Genetics (formerly Invitae), Labcorp
Classification: Uncertain significance for Adams-Oliver syndrome 5. Last evaluated: 2021-04-11. Review status: criteria provided, single submitter. Criteria: Invitae Variant Classification Sherloc (09022015). Collection method: clinical testing. Allele origin: germline.
Comment: In summary, the available evidence is currently insufficient to determine the role of this variant in disease. Therefore, it has been classified as a Variant of Uncertain Significance. Nucleotide substitutions within the consensus splice site are a relatively common cause of aberrant splicing (PMID: 17576681, 9536098). Algorithms developed to predict the effect of sequence changes on RNA splicing suggest that this variant is not likely to affect RNA splicing, but this prediction has not been confirmed by published transcriptional studies. This variant has not been reported in the literature in individuals with NOTCH1-related conditions. This variant is not present in population databases (ExAC no frequency). This sequence change falls in intron 1 of the NOTCH1 gene. It does not directly change the encoded amino acid sequence of the NOTCH1 protein. It affects a nucleotide within the consensus splice site of the intron.

Literature cited by the submitters: PubMed 17576681; PubMed 9536098.

NM_017617.5(NOTCH1):c.62-3T>C

Gene: NOTCH1 (notch receptor 1; minus strand). Cytogenetic location: 9q34.3.
Variant type: single nucleotide variant.
Coding change: c.62-3T>C on transcript NM_017617.5 (MANE Select); 3 bases into the intron before coding-DNA position 62, T replaced by C.
Molecular consequence: intron variant.
Genome position (GRCh38, 1-based): chr9:136,544,105, A>G on the plus strand (T>C on the coding strand, the complement: NOTCH1 is on the minus strand). VCF-style: chr9-136544105-A-G. GRCh37 (hg19) VCF-style: chr9-139438557-A-G.
Identifiers: ClinVar variation 1365735 (VCV001365735.6), dbSNP rs2133406300, ClinGen allele CA2573144395.